The following is an entry in ClinVar:

ClinVar aggregate classification (germline): Uncertain significance (1 of 4 stars; one submission).

Conditions:
Hereditary breast ovarian cancer syndrome. Also called: Hereditary breast and/or ovarian cancer syndrome; Breast and ovarian cancer; Hereditary breast and ovarian cancer; BRCA1- and BRCA2-Associated Hereditary Breast and Ovarian Cancer; Hereditary breast and ovarian cancer syndrome; Hereditary breast and ovarian cancer syndrome (HBOC). Identifiers: Orphanet 145, MedGen C0677776, MeSH D061325, MONDO:0003582. Disease mechanism: loss of function.

Allele frequency attached by ClinVar (database versions not stated): TOPMed below 0.00001; gnomAD 0.00001.
gnomAD v4.1: 1 of 1,614,098 alleles (0.000062%); highest among the groups gnomAD compares: African/African-American, 0.0013%; no homozygotes.

Submission:

Labcorp Genetics (formerly Invitae), Labcorp
Classification: Uncertain significance for Hereditary breast ovarian cancer syndrome. Last evaluated: 2021-03-26. Review status: criteria provided, single submitter. Criteria: Invitae Variant Classification Sherloc (09022015). Collection method: clinical testing. Allele origin: germline.
Comment: In summary, the available evidence is currently insufficient to determine the role of this variant in disease. Therefore, it has been classified as a Variant of Uncertain Significance. Advanced modeling of protein sequence and biophysical properties (such as structural, functional, and spatial information, amino acid conservation, physicochemical variation, residue mobility, and thermodynamic stability) performed at Invitae indicates that this missense variant is not expected to disrupt BRCA2 protein function. This variant has not been reported in the literature in individuals with BRCA2-related conditions. This variant is not present in population databases (ExAC no frequency). This sequence change replaces lysine with arginine at codon 3267 of the BRCA2 protein (p.Lys3267Arg). The lysine residue is highly conserved and there is a small physicochemical difference between lysine and arginine.

NM_000059.4(BRCA2):c.9800A>G (p.Lys3267Arg)

Gene: BRCA2 (BRCA2 DNA repair associated; plus strand). Cytogenetic location: 13q13.1.
Variant type: single nucleotide variant.
Coding change: c.9800A>G on transcript NM_000059.4 (MANE Select); coding-DNA position 9800, A replaced by G.
Protein change: p.Lys3267Arg; replaces lysine 3267 with arginine.
Molecular consequence: missense variant.
Genome position (GRCh38, 1-based): chr13:32,398,313, A>G. VCF-style: chr13-32398313-A-G. GRCh37 (hg19) VCF-style: chr13-32972450-A-G.
Other names: short protein forms K3267R.
Identifiers: ClinVar variation 1517698 (VCV001517698.8), dbSNP rs1323152399, ClinGen allele CA387766061.